The following is an entry in ClinVar:

ClinVar aggregate classification (germline): Uncertain significance (1 of 4 stars; one submission).

gnomAD v4.1: 1 of 1,614,096 alleles (0.000062%); no homozygotes.

Submission:

Labcorp Genetics (formerly Invitae), Labcorp
Classification: Uncertain significance. Last evaluated: 2022-03-04. Review status: criteria provided, single submitter. Criteria: Invitae Variant Classification Sherloc (09022015). Collection method: clinical testing. Allele origin: germline.
Comment: In summary, the available evidence is currently insufficient to determine the role of this variant in disease. Therefore, it has been classified as a Variant of Uncertain Significance. Algorithms developed to predict the effect of missense changes on protein structure and function (SIFT, PolyPhen-2, Align-GVGD) all suggest that this variant is likely to be disruptive. This variant has not been reported in the literature in individuals affected with DSCAML1-related conditions. This variant is present in population databases (no rsID available, gnomAD 0.01%). This sequence change replaces isoleucine, which is neutral and non-polar, with valine, which is neutral and non-polar, at codon 1434 of the DSCAML1 protein (p.Ile1434Val).

NM_020693.4(DSCAML1):c.4120A>G (p.Ile1374Val)

Gene: DSCAML1 (DS cell adhesion molecule like 1; minus strand). Cytogenetic location: 11q23.3.
Variant type: single nucleotide variant.
Coding change: c.4120A>G on transcript NM_020693.4 (MANE Select); coding-DNA position 4120, A replaced by G.
Protein change: p.Ile1374Val; replaces isoleucine 1374 with valine.
Molecular consequence: missense variant.
Genome position (GRCh38, 1-based): chr11:117,439,290, T>C on the plus strand (A>G on the coding strand, the complement: DSCAML1 is on the minus strand). VCF-style: chr11-117439290-T-C. GRCh37 (hg19) VCF-style: chr11-117310006-T-C.
Other names: short protein forms I1374V.
Identifiers: ClinVar variation 2105890 (VCV002105890.4), dbSNP rs1417309043, ClinGen allele CA382761225.